The following is an entry in ClinVar:

NM_017433.5(MYO3A):c.3274+5T>G

Gene: MYO3A (myosin IIIA; plus strand). Cytogenetic location: 10p12.1.
Variant type: single nucleotide variant.
Coding change: c.3274+5T>G on transcript NM_017433.5 (MANE Select); 5 bases into the intron after coding-DNA position 3274, T replaced by G.
Molecular consequence: intron variant.
Genome position (GRCh38, 1-based): chr10:26,168,879, T>G. VCF-style: chr10-26168879-T-G. GRCh37 (hg19) VCF-style: chr10-26457808-T-G.
Identifiers: ClinVar variation 3029456 (VCV003029456.2), dbSNP rs1841902858, ClinGen allele CA2740092974.

ClinVar aggregate classification (germline): Likely benign (0 of 4 stars; one submission).

Conditions:
MYO3A-related disorder. Also called: MYO3A-related condition.

Submission:

PreventionGenetics, part of Exact Sciences
Classification: Likely benign for MYO3A-related condition. Last evaluated: 2021-09-07. Review status: no assertion criteria provided. Collection method: clinical testing. Allele origin: germline.
Comment: This variant is classified as likely benign based on ACMG/AMP sequence variant interpretation guidelines (Richards et al. 2015 PMID: 25741868, with internal and published modifications).